The following is an entry in ClinVar:

ClinVar aggregate classification (germline): Likely benign. Review status: criteria provided, single submitter (1 of 4 stars). 2 submissions from 2 submitters: Likely benign (1). 1 of the submissions does not count toward it. Last evaluated 2022-09-01.

Conditions:
CHD4-related disorder. Also called: CHD4-related condition.

Allele frequency attached by ClinVar (database versions not stated): ExAC 0.00001; gnomAD exomes 0.00001 and 0.00003; gnomAD 0.00003 and 0.00005; TOPMed 0.00004.
gnomAD v4.1: 89 of 1,614,116 alleles (0.0055%); highest among the groups gnomAD compares: African/African-American, 0.049%; 2 homozygotes.

Submissions (2):

Labcorp Genetics (formerly Invitae), Labcorp
Classification: Likely benign. Last evaluated: 2022-09-01. Review status: criteria provided, single submitter. Criteria: Invitae Variant Classification Sherloc (09022015). Collection method: clinical testing. Allele origin: germline.

PreventionGenetics, part of Exact Sciences
Classification: Likely benign for CHD4-related condition. Last evaluated: 2019-07-01. Review status: no assertion criteria provided. Collection method: clinical testing. Allele origin: germline. Not counted in ClinVar's aggregate classification.
Comment: This variant is classified as likely benign based on ACMG/AMP sequence variant interpretation guidelines (Richards et al. 2015 PMID: 25741868, with internal and published modifications).

NM_001273.5(CHD4):c.2409C>T (p.Val803=)

Gene: CHD4 (chromodomain helicase DNA binding protein 4; minus strand). Cytogenetic location: 12p13.31.
Variant type: single nucleotide variant.
Coding change: c.2409C>T on transcript NM_001273.5 (MANE Select); coding-DNA position 2409, C replaced by T.
Protein change: p.Val803=; no amino-acid change (valine 803 retained).
Molecular consequence: synonymous variant.
Genome position (GRCh38, 1-based): chr12:6,593,521, G>A on the plus strand (C>T on the coding strand, the complement: CHD4 is on the minus strand). VCF-style: chr12-6593521-G-A. GRCh37 (hg19) VCF-style: chr12-6702687-G-A.
Other names: c.2388C>T, p.Val796= (NM_001297553.2); c.2370C>T, p.Val790= (NM_001363606.2); c.2409C>T (NM_001273.3).
Identifiers: ClinVar variation 1613129 (VCV001613129.10), dbSNP rs112803905, ClinGen allele CA6411969.